The following is an entry in ClinVar:

NM_006231.4(POLE):c.2174-9C>T

Gene: POLE (DNA polymerase epsilon, catalytic subunit; minus strand). Cytogenetic location: 12q24.33.
Variant type: single nucleotide variant.
Coding change: c.2174-9C>T on transcript NM_006231.4 (MANE Select); 9 bases into the intron before coding-DNA position 2174, C replaced by T.
Molecular consequence: intron variant.
Genome position (GRCh38, 1-based): chr12:132,667,657, G>A on the plus strand (C>T on the coding strand, the complement: POLE is on the minus strand). VCF-style: chr12-132667657-G-A. GRCh37 (hg19) VCF-style: chr12-133244243-G-A.
Identifiers: ClinVar variation 240429 (VCV000240429.13), dbSNP rs774092365, ClinGen allele CA6893638.

ClinVar aggregate classification (germline): Likely benign. Review status: criteria provided, multiple submitters, no conflicts (2 of 4 stars). 3 submissions from 3 submitters: Likely benign (3). Last evaluated 2026-01-19.

Allele frequency attached by ClinVar (database versions not stated): ExAC 0.00001; gnomAD exomes 0.00001; TOPMed 0.00001; gnomAD 0.00002.
gnomAD v4.1: 18 of 1,613,656 alleles (0.0011%); highest among the groups gnomAD compares: African/African-American, 0.0027%; no homozygotes.

Submissions (3):

Labcorp Genetics (formerly Invitae), Labcorp
Classification: Likely benign. Last evaluated: 2026-01-19. Review status: criteria provided, single submitter. Criteria: Invitae Variant Classification Sherloc (09022015). Collection method: clinical testing. Allele origin: germline.

Quest Diagnostics Nichols Institute San Juan Capistrano
Classification: Likely benign. Last evaluated: 2018-12-12. Review status: criteria provided, single submitter. Criteria: Quest Diagnostics criteria. Collection method: clinical testing. Allele origin: germline.

GeneDx
Classification: Likely benign. Last evaluated: 2018-05-16. Review status: criteria provided, single submitter. Criteria: GeneDx Variant Classification (06012015). Collection method: clinical testing. Allele origin: germline. Affected: yes.
Comment: This variant is considered likely benign or benign based on one or more of the following criteria: it is a conservative change, it occurs at a poorly conserved position in the protein, it is predicted to be benign by multiple in silico algorithms, and/or has population frequency not consistent with disease.